The following is an entry in ClinVar:

ClinVar aggregate classification (germline): Conflicting classifications of pathogenicity. Review status: criteria provided, conflicting classifications (1 of 4 stars). 2 submissions from 2 submitters: Uncertain significance (1); Likely benign (1). Last evaluated 2025-11-25.

Conditions:
Cardiovascular phenotype. Identifiers: MedGen CN230736.
Long QT syndrome (LQTS). Identifiers: MedGen C0023976, MeSH D008133, MONDO:0002442. Disease mechanism: loss of function. Inheritance: Various modes of inheritance.

gnomAD v4.1: 7 of 1,606,158 alleles (0.00044%); highest among the groups gnomAD compares: Non-Finnish European, 0.00059%; no homozygotes.

Submissions (2):

Labcorp Genetics (formerly Invitae), Labcorp
Classification: Uncertain significance for Long QT syndrome. Last evaluated: 2025-11-25. Review status: criteria provided, single submitter. Criteria: Invitae Variant Classification Sherloc (09022015). Collection method: clinical testing. Allele origin: germline.
Comment: This sequence change replaces proline, which is neutral and non-polar, with alanine, which is neutral and non-polar, at codon 2090 of the CACNA1C protein (p.Pro2090Ala). This variant is not present in population databases (gnomAD no frequency). This variant has not been reported in the literature in individuals affected with CACNA1C-related conditions. ClinVar contains an entry for this variant (Variation ID: 3232244). Invitae Evidence Modeling of protein sequence and biophysical properties (such as structural, functional, and spatial information, amino acid conservation, physicochemical variation, residue mobility, and thermodynamic stability) indicates that this missense variant is not expected to disrupt CACNA1C protein function with a negative predictive value of 95%. In summary, the available evidence is currently insufficient to determine the role of this variant in disease. Therefore, it has been classified as a Variant of Uncertain Significance.

Ambry Genetics
Classification: Likely benign for Cardiovascular phenotype. Last evaluated: 2023-11-27. Review status: criteria provided, single submitter. Criteria: Ambry Variant Classification Scheme 2023. Collection method: clinical testing. Allele origin: germline.

NM_000719.7(CACNA1C):c.6268C>G (p.Pro2090Ala)

Genes: CACNA1C (calcium voltage-gated channel subunit alpha1 C; plus strand), CACNA1C-AS1 (CACNA1C antisense RNA 1; minus strand). Cytogenetic location: 12p13.33.
Variant type: single nucleotide variant.
Coding change: c.6268C>G on transcript NM_000719.7 (MANE Select); coding-DNA position 6268, C replaced by G.
Protein change: p.Pro2090Ala; replaces proline 2090 with alanine.
Molecular consequence: missense variant.
Genome position (GRCh38, 1-based): chr12:2,691,050, C>G. VCF-style: chr12-2691050-C-G. GRCh37 (hg19) VCF-style: chr12-2800216-C-G.
Other names: c.6412C>G, p.Pro2138Ala (NM_001129827.2); c.6391C>G, p.Pro2131Ala (NM_001129829.2); c.6373C>G, p.Pro2125Ala (NM_001129830.3, NM_001167624.3); c.6352C>G, p.Pro2118Ala (NM_001129831.2); c.6328C>G, p.Pro2110Ala (NM_001129832.2); c.6325C>G, p.Pro2109Ala (NM_001129833.2, NM_001129834.2, NM_001129835.2); c.6319C>G, p.Pro2107Ala (NM_001129836.2); c.6292C>G, p.Pro2098Ala (NM_001129837.2, NM_001129838.2); and 6 more; short protein forms P2079A, P2087A, P2090A, P2096A, P2098A, P2107A, P2109A, P2110A.
Identifiers: ClinVar variation 3232244 (VCV003232244.2), dbSNP rs2097780990, ClinGen allele CA383386794.